The following is an entry in ClinVar:

ClinVar aggregate classification (germline): Conflicting classifications of pathogenicity. Review status: criteria provided, conflicting classifications (1 of 4 stars). 3 submissions from 3 submitters: Likely pathogenic (1); Uncertain significance (2). Last evaluated 2025-03-04.

Allele frequency attached by ClinVar (database versions not stated): TOPMed 0.00004; ExAC 0.00007; gnomAD 0.00007 and 0.00008; gnomAD exomes 0.00007 and 0.00009; ESP Exome Variant Server 0.00059.

Submissions (3):

Center for Genomic Medicine, Rigshospitalet, Copenhagen University Hospital
Classification: Uncertain significance. Last evaluated: 2025-03-04. Review status: criteria provided, single submitter. Criteria: ACMG Guidelines, 2015. Collection method: clinical testing. Allele origin: germline.

GeneDx
Classification: Likely pathogenic. Last evaluated: 2022-08-08. Review status: criteria provided, single submitter. Criteria: GeneDx Variant Classification Process June 2021. Collection method: clinical testing. Allele origin: germline. Affected: yes.
Comment: Frameshift variant predicted to result in protein truncation, as the last 57 amino acids are replaced with 32 different amino acids, although loss-of-function variants have not been reported downstream of this position in the protein; Not observed at significant frequency in large population cohorts (gnomAD); Has not been previously published as pathogenic or benign to our knowledge

Labcorp Genetics (formerly Invitae), Labcorp
Classification: Uncertain significance. Last evaluated: 2022-08-02. Review status: criteria provided, single submitter. Criteria: Invitae Variant Classification Sherloc (09022015). Collection method: clinical testing. Allele origin: germline.
Comment: This sequence change creates a premature translational stop signal (p.Arg1763Leufs*33) in the TUBGCP6 gene. While this is not anticipated to result in nonsense mediated decay, it is expected to disrupt the last 57 amino acid(s) of the TUBGCP6 protein. This variant is present in population databases (rs775659848, gnomAD 0.01%). This variant has not been reported in the literature in individuals affected with TUBGCP6-related conditions. ClinVar contains an entry for this variant (Variation ID: 1040743). Experimental studies and prediction algorithms are not available or were not evaluated, and the functional significance of this variant is currently unknown. In summary, the available evidence is currently insufficient to determine the role of this variant in disease. Therefore, it has been classified as a Variant of Uncertain Significance.

Literature cited by the submitters: PubMed 25344692 (cited by Center for Genomic Medicine, Rigshospitalet, Copenhagen University Hospital); PubMed 33453472 (cited by Center for Genomic Medicine, Rigshospitalet, Copenhagen University Hospital); PubMed 31964843 (cited by Center for Genomic Medicine, Rigshospitalet, Copenhagen University Hospital).

NM_020461.4(TUBGCP6):c.5263_5273dup (p.Arg1763fs)

Gene: TUBGCP6 (tubulin gamma complex component 6; minus strand). Cytogenetic location: 22q13.33.
Variant type: Duplication.
Coding change: c.5263_5273dup on transcript NM_020461.4 (MANE Select); coding-DNA positions 5263 to 5273, 11 bases duplicated (GCCTGGGGGCC).
Protein change: p.Arg1763fs; shifts the reading frame from arginine 1763.
Molecular consequence: frameshift variant.
Genome position (GRCh38, 1-based): chr22:50,218,013-50,218,023, GGCCCCCAGGC duplicated on the plus strand (GCCTGGGGGCC on the coding strand, the reverse complement: TUBGCP6 is on the minus strand). VCF-style (leftmost placement, unchanged base first): chr22-50218012-G-GGGCCCCCAGGC. GRCh37 (hg19) VCF-style: chr22-50656441-G-GGGCCCCCAGGC.
Other names: c.5263_5273dupGCCTGGGGGCC (NM_020461.4); short protein forms R1763fs.
Identifiers: ClinVar variation 1040743 (VCV001040743.8), dbSNP rs775659848, ClinGen allele CA10307097.
Genomic context (GRCh38, chr22:50,218,012, plus strand): 5'-GTTGTAGGACTGCTGCATGAGTGCAAAGTTGGGGTGCTCTGCACCCCGCGGGCCCCCAGG[G>GGGCCCCCAGGC]GGCCCCCAGGCCTGGGAGATGAGCTGGCTGCGGAACTTGAGCACGAGGCTGAAGATGCTG-3'